The following is an entry in ClinVar:

NM_001114753.3(ENG):c.1727_1734delinsAG (p.Ser576_Asp578delinsLys)

Genes: ENG (endoglin; minus strand), LOC102723566 (uncharacterized LOC102723566; plus strand). Cytogenetic location: 9q34.11.
Variant type: Indel.
Coding change: c.1727_1734delinsAG on transcript NM_001114753.3 (MANE Select); coding-DNA positions 1727 to 1734, GCCCTGAC replaced by AG.
Protein change: p.Ser576_Asp578delinsLys.
Molecular consequence: inframe indel. On other transcripts: non-coding transcript variant (1).
Genome position (GRCh38, 1-based): chr9:127,817,156-127,817,163, GTCAGGGC replaced by CT on the plus strand (GCCCTGAC replaced by AG on the coding strand, the reverse complement: ENG is on the minus strand). VCF-style: chr9-127817156-GTCAGGGC-CT. GRCh37 (hg19) VCF-style: chr9-130579435-GTCAGGGC-CT.
Other names: c.1727_1734delinsAG, p.Ser576_Asp578delinsLys (NM_000118.4); c.1181_1188delinsAG, p.Ser394_Asp396delinsLys (NM_001278138.2).
Identifiers: ClinVar variation 3712961 (VCV003712961.1).

ClinVar aggregate classification (germline): Uncertain significance (1 of 4 stars; one submission).

Conditions:
Hereditary hemorrhagic telangiectasia (HHT). Also called: ORW DISEASE; Osler Weber Rendu syndrome; OSLER-RENDU-WEBER DISEASE; Osler hemorrhagic telangiectasia syndrome. Identifiers: Orphanet 774, MedGen C0039445, MONDO:0019180. Disease mechanism: loss of function.

Submission:

Labcorp Genetics (formerly Invitae), Labcorp
Classification: Uncertain significance for Hereditary hemorrhagic telangiectasia. Last evaluated: 2024-04-24. Review status: criteria provided, single submitter. Criteria: Invitae Variant Classification Sherloc (09022015). Collection method: clinical testing. Allele origin: germline.
Comment: This variant, c.1727_1734delinsAG, is a complex sequence change that results in the deletion of 3 and insertion of 1 amino acid(s) in the ENG protein (p.Ser576_Asp578delinsLys). Information on the frequency of this variant in the gnomAD database is not available, as this variant may be reported differently in the database. This variant has not been reported in the literature in individuals affected with ENG-related conditions. Experimental studies and prediction algorithms are not available or were not evaluated, and the functional significance of this variant is currently unknown. In summary, the available evidence is currently insufficient to determine the role of this variant in disease. Therefore, it has been classified as a Variant of Uncertain Significance.